The following is an entry in ClinVar:

NM_000117.3(EMD):c.545_547del (p.Tyr182_Pro183delinsSer)

Gene: EMD (emerin; plus strand). Cytogenetic location: Xq28.
Variant type: Deletion.
Coding change: c.545_547del on transcript NM_000117.3 (MANE Select); coding-DNA positions 545 to 547, 3 bases deleted (ATC; older notation c.545_547delATC).
Protein change: p.Tyr182_Pro183delinsSer.
Molecular consequence: inframe indel.
Genome position (GRCh38, 1-based): chrX:154,380,977-154,380,979, ATC deleted. VCF-style (leftmost placement, unchanged base first): chrX-154380976-TATC-T. GRCh37 (hg19) VCF-style: chrX-153609336-TATC-T.
Other names: c.545_547delATC (NM_000117.2, NM_000117.3).
Identifiers: ClinVar variation 201781 (VCV000201781.9), dbSNP rs794729019, ClinGen allele CA335171.
Genomic context (GRCh38, chrX:154,380,976, plus strand): 5'-CAGAGCATCACGCACTACCGCCCTGTTTCAGCCTCCAGGAGCTCCCTGGACCTGTCCTAT[TATC>T]CTACTTCCTCCTCCACCTCTTTTATGTCCTCCTCATCATCTTCCTCTTCATGGCTCACCC-3'

ClinVar aggregate classification (germline): Conflicting classifications of pathogenicity. Review status: criteria provided, conflicting classifications (1 of 4 stars). 4 submissions from 4 submitters: Pathogenic (2); Uncertain significance (1). 1 of the submissions does not count toward it. Last evaluated 2025-08-13.

Conditions:
X-linked Emery-Dreifuss muscular dystrophy. Also called: Muscular dystrophy, tardive Emery-Dreifuss type, with contractures. Identifiers: Orphanet 261, Orphanet 98863, MedGen C0751337, MONDO:0010680.
Emery-Dreifuss muscular dystrophy (EDMD). Also called: Scapuloperoneal syndrome, X-linked (formerly); Humeroperoneal neuromuscular disease, (formerly). Identifiers: Orphanet 261, MedGen C0410189, MONDO:0016830.

Submissions (4):

Women's Health and Genetics/Laboratory Corporation of America, LabCorp
Classification: Pathogenic for Emery-Dreifuss muscular dystrophy. Last evaluated: 2025-08-13. Review status: criteria provided, single submitter. Criteria: LabCorp Variant Classification Summary - May 2015. Collection method: clinical testing. Allele origin: germline.
Comment: Variant summary: EMD c.545_547delATC (p.Tyr182_Pro183delinsSer) results in an in-frame deletion-insertion that is predicted to delete 2 amino acids from the protein and also cause changes in 1 amino acid. The variant was absent in 182982 control chromosomes. To our knowledge, no occurrence of c.545_547delATC in individuals affected with Emery-Dreifuss Muscular Dystrophy and no experimental evidence demonstrating its impact on protein function have been reported. However, at least 1 other variant encompassed by this delins (c.547C>A, p.Pro183Thr) has been determined to be likely pathogenic/pathogenic by our laboratory based on clinical and functional evidence (PMID: 26415001, 10323252), supporting the critical relevance of this site/Proline residue for EMD protein function. ClinVar contains an entry for this variant (Variation ID: 201781). Based on the evidence outlined above, the variant was classified as pathogenic.

Labcorp Genetics (formerly Invitae), Labcorp
Classification: Pathogenic for X-linked Emery-Dreifuss muscular dystrophy. Last evaluated: 2023-08-29. Review status: criteria provided, single submitter. Criteria: Invitae Variant Classification Sherloc (09022015). Collection method: clinical testing. Allele origin: germline.
Comment: This variant, c.545_547del, is a complex sequence change that results in the deletion of 2 and insertion of 1 amino acid(s) in the EMD protein (p.Tyr182_Pro183delinsSer). This variant is not present in population databases (gnomAD no frequency). This variant has not been reported in the literature in individuals affected with EMD-related conditions. ClinVar contains an entry for this variant (Variation ID: 201781). This variant disrupts a region of the EMD protein in which other variant(s) (p.Pro183His) have been determined to be pathogenic (PMID: 10323252, 10393813, 17067998, 26415001, 26675233). This suggests that this is a clinically significant region of the protein, and that variants that disrupt it are likely to be disease-causing. For these reasons, this variant has been classified as Pathogenic.

GeneDx
Classification: Uncertain significance. Last evaluated: 2014-04-16. Review status: criteria provided, single submitter. Criteria: GeneDx Variant Classification (06012015). Collection method: clinical testing. Allele origin: germline. Affected: yes.
Comment: To our knowledge, the c.545_547delATC variant has not been reported a disease-causing mutation or a benign polymorphism. This c.545_547delATC variant results in a deletion of Tyrosine182 and Proline183 and an insertion of a Serine residue at this location, denoted p.Tyr182_ProdelinsSer. This variant results in an abnormal protein product. Furthermore, other variants affecting Proline183 have been reported in individuals with a milder EDMD phenotype, which includes later onset of both joint contractures and limb weakness. A later age of onset of cardiac involvement was not consistently reported in these individuals, however (Ellis JA et al., 1999; Yates JRW et al., 1999). Functional studies demonstrated that alteration of Proline183 shifts the distribution of the emerin protein from the nuclear membrane to the cytosol (Ellis JA et al., 1999). Therefore, based on the currently available information, it is unclear whether this variant is a pathogenic mutation or a rare benign variant.

Natera, Inc.
Classification: Uncertain significance for Emery-Dreifuss muscular dystrophy. Last evaluated: 2020-01-17. Review status: no assertion criteria provided. Collection method: clinical testing. Allele origin: germline. Not counted in ClinVar's aggregate classification.

Literature cited by the submitters: PubMed 10323252 (cited by Labcorp Genetics (formerly Invitae), Labcorp); PubMed 10393813 (cited by Labcorp Genetics (formerly Invitae), Labcorp); PubMed 17067998 (cited by Labcorp Genetics (formerly Invitae), Labcorp); PubMed 26415001 (cited by Labcorp Genetics (formerly Invitae), Labcorp); PubMed 26675233 (cited by Labcorp Genetics (formerly Invitae), Labcorp).